The following is an entry in ClinVar:

ClinVar aggregate classification (germline): Uncertain significance (1 of 4 stars; one submission).

Conditions:
Hereditary cancer-predisposing syndrome. Also called: Hereditary neoplastic syndrome; Hereditary Cancer Syndrome; Neoplastic Syndromes, Hereditary; Tumor predisposition. Identifiers: Orphanet 140162, MedGen C0027672, MeSH D009386, MONDO:0015356.

Submission:

Ambry Genetics
Classification: Uncertain significance for Hereditary cancer-predisposing syndrome. Last evaluated: 2023-05-25. Review status: criteria provided, single submitter. Criteria: Ambry Variant Classification Scheme 2023. Collection method: clinical testing. Allele origin: germline.
Comment: The p.N169K variant (also known as c.507T>G), located in coding exon 1 of the ALK gene, results from a T to G substitution at nucleotide position 507. The asparagine at codon 169 is replaced by lysine, an amino acid with similar properties. This amino acid position is conserved. In addition, this alteration is predicted to be tolerated by in silico analysis. Since supporting evidence is limited at this time, the clinical significance of this alteration remains unclear.

NM_004304.5(ALK):c.507T>G (p.Asn169Lys)

Gene: ALK (ALK receptor tyrosine kinase; minus strand). Cytogenetic location: 2p23.1.
Variant type: single nucleotide variant.
Coding change: c.507T>G on transcript NM_004304.5 (MANE Select); coding-DNA position 507, T replaced by G.
Protein change: p.Asn169Lys; replaces asparagine 169 with lysine.
Molecular consequence: missense variant.
Genome position (GRCh38, 1-based): chr2:29,920,153, A>C on the plus strand (T>G on the coding strand, the complement: ALK is on the minus strand). VCF-style: chr2-29920153-A-C. GRCh37 (hg19) VCF-style: chr2-30143019-A-C.
Other names: short protein forms N169K.
Identifiers: ClinVar variation 2566601 (VCV002566601.2), dbSNP rs780271684, ClinGen allele CA346589913.